The following is an entry in ClinVar:

NM_145309.6(LRRC51):c.468C>T (p.Ile156=)

Genes: LRRC51 (leucine rich repeat containing 51; plus strand), LRTOMT (leucine rich transmembrane and O-methyltransferase domain containing; plus strand). Cytogenetic location: 11q13.4.
Variant type: single nucleotide variant.
Coding change: c.468C>T on transcript NM_145309.6 (MANE Select); coding-DNA position 468, C replaced by T.
Protein change: p.Ile156=; no amino-acid change (isoleucine 156 retained).
Molecular consequence: synonymous variant. On other transcripts: 3 prime UTR variant (1), non-coding transcript variant (2), intron variant (4).
Genome position (GRCh38, 1-based): chr11:72,095,409, C>T. VCF-style: chr11-72095409-C-T. GRCh37 (hg19) VCF-style: chr11-71806455-C-T.
Other names: c.414C>T, p.Ile138= (NM_001205138.4); c.*309C>T (NM_001271471.3); c.468C>T, p.Ile156= (NM_001318803.2); c.34+313C>T (NM_001145309.4, NM_001145310.4, NM_001145308.5); c.437+313C>T (NM_001145307.5).
Identifiers: ClinVar variation 3034517 (VCV003034517.2), dbSNP rs377160783, ClinGen allele CA6168275.

ClinVar aggregate classification (germline): Likely benign (0 of 4 stars; one submission).

Conditions:
LRTOMT-related disorder. Also called: LRTOMT-related condition.

Allele frequency attached by ClinVar (database versions not stated): ExAC 0.00007; gnomAD 0.00007; ESP Exome Variant Server 0.00008; TOPMed 0.00008; gnomAD exomes 0.00011.
gnomAD v4.1: 179 of 1,614,024 alleles (0.011%); highest among the groups gnomAD compares: Non-Finnish European, 0.014%; no homozygotes.

Submission:

PreventionGenetics, part of Exact Sciences
Classification: Likely benign for LRTOMT-related condition. Last evaluated: 2019-07-30. Review status: no assertion criteria provided. Collection method: clinical testing. Allele origin: germline.
Comment: This variant is classified as likely benign based on ACMG/AMP sequence variant interpretation guidelines (Richards et al. 2015 PMID: 25741868, with internal and published modifications).